The following is an entry in ClinVar:

NM_001277115.2(DNAH11):c.4290del (p.Asp1431fs)

Gene: DNAH11 (dynein axonemal heavy chain 11; plus strand). Cytogenetic location: 7p15.3.
Variant type: Deletion.
Coding change: c.4290del on transcript NM_001277115.2 (MANE Select); coding-DNA position 4290, one base deleted (A; older notation c.4290delA).
Protein change: p.Asp1431fs; shifts the reading frame from aspartic acid 1431.
Molecular consequence: frameshift variant.
Genome position (GRCh38, 1-based): chr7:21,619,135, A deleted. VCF-style (leftmost placement, unchanged base first): chr7-21619134-CA-C. GRCh37 (hg19) VCF-style: chr7-21658752-CA-C.
Other names: c.4305delA, p.Asp1436Ilefs (NM_003777.3); short protein forms D1431fs.
Identifiers: ClinVar variation 2854723 (VCV002854723.3), dbSNP rs1179938835, ClinGen allele CA836625162.

ClinVar aggregate classification (germline): Pathogenic (1 of 4 stars; one submission).

Conditions:
Primary ciliary dyskinesia. Also called: Ciliary dyskinesia. Identifiers: Orphanet 244, MedGen C0008780, MONDO:0016575, HP:0012265.

Allele frequency attached by ClinVar (database versions not stated): gnomAD exomes below 0.00001; gnomAD 0.00001; TOPMed 0.00002.

Submission:

Labcorp Genetics (formerly Invitae), Labcorp
Classification: Pathogenic for Primary ciliary dyskinesia. Last evaluated: 2023-11-27. Review status: criteria provided, single submitter. Criteria: Invitae Variant Classification Sherloc (09022015). Collection method: clinical testing. Allele origin: germline.
Comment: This sequence change creates a premature translational stop signal (p.Asp1431Ilefs*3) in the DNAH11 gene. It is expected to result in an absent or disrupted protein product. Loss-of-function variants in DNAH11 are known to be pathogenic (PMID: 18022865, 20513915, 22184204). This variant is not present in population databases (gnomAD no frequency). This variant has not been reported in the literature in individuals affected with DNAH11-related conditions. For these reasons, this variant has been classified as Pathogenic.

Literature cited by the submitters: PubMed 18022865; PubMed 20513915; PubMed 22184204.